The following is an entry in ClinVar:

ClinVar aggregate classification (germline): Uncertain significance. Review status: criteria provided, multiple submitters, no conflicts (2 of 4 stars). 2 submissions from 2 submitters: Uncertain significance (2). Last evaluated 2024-05-30.

Conditions:
Malignant hyperthermia, susceptibility to, 1 (MHS1). Also called: Anesthesia related hyperthermia; Malignant hyperpyrexia; Fulminating hyperpyrexia; Pharmacogenic myopathy; RYR1-Related Malignant Hyperthermia Susceptibility; Malignant hyperthermia suceptibility 1. Identifiers: Orphanet 423, MedGen C2930980, MONDO:0007783, OMIM 145600.

gnomAD v4.1: 4 of 1,549,550 alleles (0.00026%); highest among the groups gnomAD compares: African/African-American, 0.0014%; no homozygotes.

Submissions (2):

All of Us Research Program, National Institutes of Health
Classification: Uncertain significance for Malignant hyperthermia, susceptibility to, 1. Last evaluated: 2024-05-30. Review status: criteria provided, single submitter. Criteria: ACMG Guidelines, 2015. Collection method: clinical testing. Allele origin: germline. Inheritance: Autosomal dominant inheritance. Observed: 1 variant allele, 1 heterozygote.
Comment: This missense variant replaces glycine with arginine at codon 1364 of the RYR1 protein. Computational prediction suggests that this variant may not impact protein structure and function (internally defined REVEL score threshold <= 0.5, PMID: 27666373). To our knowledge, functional studies have not been reported for this variant. This variant has not been reported in individuals affected with RYR1-related disorders in the literature. This variant has not been identified in the general population by the Genome Aggregation Database (gnomAD). The available evidence is insufficient to determine the role of this variant in disease conclusively. Therefore, this variant is classified as a Variant of Uncertain Significance.

This study involves interpretation of variants in research participants for the purpose of population health screening. Participant phenotype was not available at the time of variant classification. Additional details can be found in publication PMID: 35346344, PMCID: PMC8962531

Revvity Omics, Revvity
Classification: Uncertain significance. Last evaluated: 2024-03-06. Review status: criteria provided, single submitter. Criteria: ACMG Guidelines, 2015. Collection method: clinical testing. Allele origin: germline.

NM_000540.3(RYR1):c.4090G>A (p.Gly1364Arg)

Gene: RYR1 (ryanodine receptor 1; plus strand). Cytogenetic location: 19q13.2.
Variant type: single nucleotide variant.
Coding change: c.4090G>A on transcript NM_000540.3 (MANE Select); coding-DNA position 4090, G replaced by A.
Protein change: p.Gly1364Arg; replaces glycine 1364 with arginine.
Molecular consequence: missense variant.
Genome position (GRCh38, 1-based): chr19:38,473,701, G>A. VCF-style: chr19-38473701-G-A. GRCh37 (hg19) VCF-style: chr19-38964341-G-A.
Other names: c.4090G>A, p.Gly1364Arg (NM_001042723.2); short protein forms G1364R.
Identifiers: ClinVar variation 3387699 (VCV003387699.2).